The following is an entry in ClinVar:

NM_001349253.2(SCN11A):c.2365A>G (p.Ile789Val)

Gene: SCN11A (sodium voltage-gated channel alpha subunit 11; minus strand). Cytogenetic location: 3p22.2.
Variant type: single nucleotide variant.
Coding change: c.2365A>G on transcript NM_001349253.2 (MANE Select); coding-DNA position 2365, A replaced by G.
Protein change: p.Ile789Val; replaces isoleucine 789 with valine.
Molecular consequence: missense variant.
Genome position (GRCh38, 1-based): chr3:38,896,883, T>C on the plus strand (A>G on the coding strand, the complement: SCN11A is on the minus strand). VCF-style: chr3-38896883-T-C. GRCh37 (hg19) VCF-style: chr3-38938374-T-C.
Other names: c.2365A>G, p.Ile789Val (NM_014139.3); c.2365A>G (NM_014139.2); short protein forms I789V.
Identifiers: ClinVar variation 1060303 (VCV001060303.6), dbSNP rs200450233, ClinGen allele CA352157357.

ClinVar aggregate classification (germline): Uncertain significance. Review status: criteria provided, multiple submitters, no conflicts (2 of 4 stars). 2 submissions from 2 submitters: Uncertain significance (2). Last evaluated 2025-12-30.

Conditions:
Hereditary sensory and autonomic neuropathy type 7. Also called: Neuropathy, hereditary sensory and autonomic, type VII; HSAN VII. Identifiers: Orphanet 391397, MedGen C3809882, MONDO:0014244, OMIM 615548.
Familial episodic pain syndrome with predominantly lower limb involvement. Also called: Episodic pain syndrome, familial, 3. Identifiers: Orphanet 391384, Orphanet 391392, MedGen C3809899, MONDO:0014247, OMIM 615552.
SCN11A-related disorder. Also called: SCN11A-related condition.

Allele frequency attached by ClinVar (database versions not stated): TOPMed below 0.00001; gnomAD exomes 0.00001.
gnomAD v4.1: 7 of 1,604,414 alleles (0.00044%); highest among the groups gnomAD compares: Non-Finnish European, 0.0006%; no homozygotes.

Submissions (2):

PreventionGenetics, part of Exact Sciences
Classification: Uncertain significance for SCN11A-related condition. Last evaluated: 2025-12-30. Review status: criteria provided, single submitter. Criteria: ACMG Guidelines, 2015. Collection method: clinical testing. Allele origin: germline.
Comment: The SCN11A c.2365A>G variant is predicted to result in the amino acid substitution p.Ile789Val. To our knowledge, this variant has not been reported in the literature or in a large population database (gnomAD), indicating this variant is rare. At this time, the clinical significance of this variant is uncertain due to the absence of conclusive functional and genetic evidence.

Labcorp Genetics (formerly Invitae), Labcorp
Classification: Uncertain significance for Familial episodic pain syndrome with predominantly lower limb involvement; Hereditary sensory and autonomic neuropathy type 7. Last evaluated: 2024-11-18. Review status: criteria provided, single submitter. Criteria: Invitae Variant Classification Sherloc (09022015). Collection method: clinical testing. Allele origin: germline.
Comment: This sequence change replaces isoleucine, which is neutral and non-polar, with valine, which is neutral and non-polar, at codon 789 of the SCN11A protein (p.Ile789Val). This variant is not present in population databases (gnomAD no frequency). This variant has not been reported in the literature in individuals affected with SCN11A-related conditions. ClinVar contains an entry for this variant (Variation ID: 1060303). Invitae Evidence Modeling of protein sequence and biophysical properties (such as structural, functional, and spatial information, amino acid conservation, physicochemical variation, residue mobility, and thermodynamic stability) indicates that this missense variant is not expected to disrupt SCN11A protein function with a negative predictive value of 80%. In summary, the available evidence is currently insufficient to determine the role of this variant in disease. Therefore, it has been classified as a Variant of Uncertain Significance.